The following is an entry in ClinVar:

NM_001288833.2(GGT1):c.1397G>A (p.Arg466Gln)

Gene: GGT1 (gamma-glutamyltransferase 1; plus strand). Cytogenetic location: 22q11.23.
Variant type: single nucleotide variant.
Coding change: c.1397G>A on transcript NM_001288833.2 (MANE Select); coding-DNA position 1397, G replaced by A.
Protein change: p.Arg466Gln; replaces arginine 466 with glutamine.
Molecular consequence: missense variant.
Genome position (GRCh38, 1-based): chr22:24,628,141, G>A. VCF-style: chr22-24628141-G-A. GRCh37 (hg19) VCF-style: chr22-25024108-G-A.
Other names: c.1397G>A, p.Arg466Gln (NM_013421.3, NM_013430.3); short protein forms R466Q.
Identifiers: ClinVar variation 771941 (VCV000771941.28), dbSNP rs200266956, ClinGen allele CA10154717.
Genomic context (GRCh38, chr22:24,628,141, plus strand): 5'-GGAAGCAGCCGCTCTCGTCCATGTGCCCGACGATCATGGTGGGCCAGGACGGCCAGGTCC[G>A]GATGGTGGTGGGAGCTGCTGGGGGCACACAGATCACCACGGCCACTGCACTGGTATGTGT-3'
Protein context (NP_001275762.1, residues 456-476): TIMVGQDGQV[Arg466Gln]MVVGAAGGTQ

ClinVar aggregate classification (germline): Likely benign. Review status: criteria provided, multiple submitters, no conflicts (2 of 4 stars). 3 submissions from 3 submitters: Likely benign (3). Last evaluated 2023-09-01.

Allele frequency attached by ClinVar (database versions not stated): 1000 Genomes Project 0.00180; ESP Exome Variant Server 0.00185; gnomAD exomes 0.00195 and 0.00208; ExAC 0.00197; TOPMed 0.00124; gnomAD 0.00125 and 0.00149; 1000 Genomes Project 30x 0.00156.
gnomAD v4.1: 3,223 of 1,611,998 alleles (0.2%); highest among the groups gnomAD compares: South Asian, 0.55%; 12 homozygotes.

Submissions (3):

CeGaT Center for Human Genetics Tuebingen
Classification: Likely benign. Last evaluated: 2023-09-01. Review status: criteria provided, single submitter. Criteria: CeGaT Center For Human Genetics Tuebingen Variant Classification Criteria Version 2. Collection method: clinical testing. Allele origin: germline. Affected: yes. Observed: 2 variant alleles.
Comment: GGT1: BP4, BS2

Labcorp Genetics (formerly Invitae), Labcorp
Classification: Likely benign. Last evaluated: 2018-07-19. Review status: criteria provided, single submitter. Criteria: Invitae Variant Classification Sherloc (09022015). Collection method: clinical testing. Allele origin: germline.

Breakthrough Genomics
Classification: Likely benign. Review status: criteria provided, single submitter. Criteria: ACMG Guidelines, 2015. Collection method: not provided. Allele origin: germline. Inheritance: Autosomal recessive inheritance. Affected: yes.